The following is an entry in ClinVar:

NM_024516.4(PAGR1):c.274A>G (p.Ser92Gly)

Genes: MVP-DT (MVP divergent transcript; minus strand), PAGR1 (PAXIP1 associated glutamate rich protein 1; plus strand). Cytogenetic location: 16p11.2.
Variant type: single nucleotide variant.
Coding change: c.274A>G on transcript NM_024516.4 (MANE Select); coding-DNA position 274, A replaced by G.
Protein change: p.Ser92Gly; replaces serine 92 with glycine.
Molecular consequence: missense variant.
Genome position (GRCh38, 1-based): chr16:29,816,799, A>G. VCF-style: chr16-29816799-A-G. GRCh37 (hg19) VCF-style: chr16-29828120-A-G.
Other names: PAGR1, SER92GLY (rs375215655); NM_024516.4(PAGR1):c.274A>G; p.Ser92Gly; short protein forms S92G.
Identifiers: ClinVar variation 1172676 (VCV001172676.2), dbSNP rs375215655, ClinGen allele CA7994745.

ClinVar aggregate classification (germline): Conflicting classifications of pathogenicity. Review status: criteria provided, conflicting classifications (1 of 4 stars). 3 submissions from 3 submitters: Likely pathogenic (1); Uncertain significance (1). 1 of the submissions does not count toward it. Last evaluated 2024-11-26.

Conditions:
lethal neurodevelopmental disorder.
Neurodevelopmental disorder. Identifiers: MedGen C1535926, MeSH D065886, MONDO:0700092.

Allele frequency attached by ClinVar (database versions not stated): gnomAD exomes 0.00009; ESP Exome Variant Server 0.00016.

Submissions (3):

Broad Center for Mendelian Genomics, Broad Institute of MIT and Harvard
Classification: Uncertain significance for Neurodevelopmental disorder. Last evaluated: 2024-11-26. Review status: criteria provided, single submitter. Criteria: ACMG Guidelines, 2015. Collection method: curation. Allele origin: germline. Inheritance: Autosomal recessive inheritance. Study: GREGoR Consortium.
Comment: The homozygous p.Ser92Gly variant in PAGR1 was identified by our study in two affected siblings with intrauterine growth restriction, cryptorchidism, talipes equinovarus, and microcephaly (PMID: 34585832). These individuals along with one other unrelated homozygous individual were reported in the literature (PMID: 34585832). This variant has been identified in 0.17% (50/28868) of Ashkenazi Jewish chromosomes by the Genome Aggregation Database (gnomAD; dbSNP ID: rs375215655). Although this variant has been seen in the general population in a heterozygous state, its frequency is not high enough to rule out a pathogenic role. This variant has also been reported in ClinVar (Variation ID: 1172676) and has been interpreted as likely pathogenic by Hadassah Hebrew University Medical Center. Computational prediction tools, including splice predictors and conservation analyses, suggest that this variant may not impact the protein, though this information is not predictive enough to rule out pathogenicity. Furthermore, although this gene has been reported in association with neurodevelopmental disorders, it currently has limited/moderate evidence for these associations. In summary, the clinical significance of the p.Ser92Gly variant is uncertain.

Hadassah Hebrew University Medical Center
Classification: Likely pathogenic for lethal neurodevelopmental disorder. Review status: criteria provided, single submitter. Criteria: ACMG Guidelines, 2015. Collection method: clinical testing. Allele origin: germline. Inheritance: Autosomal recessive inheritance. Affected: yes. Observed: 3 variant alleles, 3 homozygotes.

OMIM
Classification: Uncertain significance for VARIANT OF UNKNOWN SIGNIFICANCE. Last evaluated: 2022-12-06. Review status: no assertion criteria provided. Collection method: literature only. Allele origin: germline. Not counted in ClinVar's aggregate classification.

Literature cited by the submitters: PubMed 34585832 (cited by OMIM).